The following is an entry in ClinVar:

ClinVar aggregate classification (germline): Uncertain significance (1 of 4 stars; one submission).

Conditions:
Xanthinuria type II. Also called: Xanthine dehydrogenase and aldehyde oxidase combined deficiency of; XDH and AOX dual deficiency. Identifiers: Orphanet 3467, Orphanet 93602, MedGen C1863688, MONDO:0011346, OMIM 603592.

Allele frequency attached by ClinVar (database versions not stated): ExAC 0.00002; TOPMed 0.00005; gnomAD exomes 0.00006; gnomAD 0.00008.
gnomAD v4.1: 103 of 1,614,080 alleles (0.0064%); highest among the groups gnomAD compares: Non-Finnish European, 0.0084%; no homozygotes.

Submission:

Labcorp Genetics (formerly Invitae), Labcorp
Classification: Uncertain significance for Xanthinuria type II. Last evaluated: 2022-01-26. Review status: criteria provided, single submitter. Criteria: Invitae Variant Classification Sherloc (09022015). Collection method: clinical testing. Allele origin: germline.
Comment: This sequence change falls in intron 22 of the XDH gene. It does not directly change the encoded amino acid sequence of the XDH protein. It affects a nucleotide within the consensus splice site. This variant is present in population databases (rs779038719, gnomAD 0.01%). This variant has not been reported in the literature in individuals affected with XDH-related conditions. Variants that disrupt the consensus splice site are a relatively common cause of aberrant splicing (PMID: 17576681, 9536098). Algorithms developed to predict the effect of sequence changes on RNA splicing suggest that this variant is not likely to affect RNA splicing. In summary, the available evidence is currently insufficient to determine the role of this variant in disease. Therefore, it has been classified as a Variant of Uncertain Significance.

Literature cited by the submitters: PubMed 17576681; PubMed 9536098.

NM_000379.4(XDH):c.2456+3G>A

Gene: XDH (xanthine dehydrogenase; minus strand). Cytogenetic location: 2p23.1.
Variant type: single nucleotide variant.
Coding change: c.2456+3G>A on transcript NM_000379.4 (MANE Select); 3 bases into the intron after coding-DNA position 2456, G replaced by A.
Molecular consequence: intron variant.
Genome position (GRCh38, 1-based): chr2:31,365,973, C>T on the plus strand (G>A on the coding strand, the complement: XDH is on the minus strand). VCF-style: chr2-31365973-C-T. GRCh37 (hg19) VCF-style: chr2-31588839-C-T.
Identifiers: ClinVar variation 2060423 (VCV002060423.1), dbSNP rs779038719, ClinGen allele CA1598828.